The following is an entry in ClinVar:

NM_003334.4(UBA1):c.3136G>A (p.Glu1046Lys)

Gene: UBA1 (ubiquitin like modifier activating enzyme 1; plus strand). Cytogenetic location: Xp11.3.
Variant type: single nucleotide variant.
Coding change: c.3136G>A on transcript NM_003334.4 (MANE Select); coding-DNA position 3136, G replaced by A.
Protein change: p.Glu1046Lys; replaces glutamic acid 1046 with lysine.
Molecular consequence: missense variant.
Genome position (GRCh38, 1-based): chrX:47,214,888, G>A. VCF-style: chrX-47214888-G-A. GRCh37 (hg19) VCF-style: chrX-47074287-G-A.
Other names: c.3136G>A, p.Glu1046Lys (NM_153280.3); short protein forms E1046K.
Identifiers: ClinVar variation 3713574 (VCV003713574.2).
Genomic context (GRCh38, chrX:47,214,888, plus strand): 5'-AAGCTGGGCCGCCACGTGCGGGCGCTGGTGCTTGAGCTGTGCTGTAACGACGAGAGCGGC[G>A]AGGATGTCGAGGTTCCCTATGTCCGATACACCATCCGCTGACCCCGTCTGCTCCTCTAGG-3'
Protein context (NP_003325.2, residues 1036-1056): LELCCNDESG[Glu1046Lys]DVEVPYVRYT

ClinVar aggregate classification (germline): Uncertain significance (1 of 4 stars; one submission).

Conditions:
Infantile-onset X-linked spinal muscular atrophy. Also called: SPINAL MUSCULAR ATROPHY, X-LINKED LETHAL INFANTILE; AMC, DISTAL, X-LINKED; ARTHROGRYPOSIS, X-LINKED, TYPE I; Spinal Muscular Atrophy, X-Linked Infantile; Spinal muscular atrophy, X-linked 2. Identifiers: Orphanet 1145, MedGen C1844934, MONDO:0010532, OMIM 301830.

gnomAD v4.1: 1 of 1,211,302 alleles (0.000083%); highest among the groups gnomAD compares: Non-Finnish European, 0.00011%; no homozygotes.

Submission:

Labcorp Genetics (formerly Invitae), Labcorp
Classification: Uncertain significance for Infantile-onset X-linked spinal muscular atrophy. Last evaluated: 2024-08-19. Review status: criteria provided, single submitter. Criteria: Invitae Variant Classification Sherloc (09022015). Collection method: clinical testing. Allele origin: germline.
Comment: This sequence change replaces glutamic acid, which is acidic and polar, with lysine, which is basic and polar, at codon 1046 of the UBA1 protein (p.Glu1046Lys). This variant is present in population databases (no rsID available, gnomAD 0.001%). This variant has not been reported in the literature in individuals affected with UBA1-related conditions. An algorithm developed to predict the effect of missense changes on protein structure and function (PolyPhen-2) suggests that this variant is likely to be tolerated. In summary, the available evidence is currently insufficient to determine the role of this variant in disease. Therefore, it has been classified as a Variant of Uncertain Significance.